The following is an entry in ClinVar:

ClinVar aggregate classification (germline): Uncertain significance (1 of 4 stars; one submission).

Conditions:
Autosomal dominant nonsyndromic hearing loss 65. Also called: Deafness, autosomal dominant 65; TBC1D24-Related Autosomal Dominant Nonsyndromic Hearing Loss (DFNA). Identifiers: Orphanet 90635, MedGen C3892048, MONDO:0014470, OMIM 616044.
Developmental and epileptic encephalopathy, 1 (DEE1). Also called: X-linked infantile spasms; West's syndrome; Tonic spasms with clustering, arrest of psychomotor development and hypsarrhythmia on EEG; X-Linked Infantile Spasm Syndrome; OHTAHARA SYNDROME, X-LINKED; INFANTILE SPASM SYNDROME, X-LINKED 1. Identifiers: MedGen C3463992, MONDO:0010632, OMIM 308350. Disease mechanism: loss of function.

Allele frequency attached by ClinVar (database versions not stated): ExAC 0.00001.
gnomAD v4.1: 20 of 1,610,274 alleles (0.0012%); highest among the groups gnomAD compares: East Asian, 0.02%; no homozygotes.

Submission:

Labcorp Genetics (formerly Invitae), Labcorp
Classification: Uncertain significance for Developmental and epileptic encephalopathy, 1; Autosomal dominant nonsyndromic hearing loss 65. Last evaluated: 2024-03-11. Review status: criteria provided, single submitter. Criteria: Invitae Variant Classification Sherloc (09022015). Collection method: clinical testing. Allele origin: germline.
Comment: This sequence change replaces glutamic acid, which is acidic and polar, with lysine, which is basic and polar, at codon 359 of the TBC1D24 protein (p.Glu359Lys). The frequency data for this variant in the population databases is considered unreliable, as metrics indicate poor data quality at this position in the gnomAD database. This variant has not been reported in the literature in individuals affected with TBC1D24-related conditions. ClinVar contains an entry for this variant (Variation ID: 2183895). Advanced modeling of protein sequence and biophysical properties (such as structural, functional, and spatial information, amino acid conservation, physicochemical variation, residue mobility, and thermodynamic stability) performed at Invitae indicates that this missense variant is expected to disrupt TBC1D24 protein function with a positive predictive value of 80%. In summary, the available evidence is currently insufficient to determine the role of this variant in disease. Therefore, it has been classified as a Variant of Uncertain Significance.

NM_001199107.2(TBC1D24):c.1075G>A (p.Glu359Lys)

Gene: TBC1D24 (TBC1 domain family member 24; plus strand). Cytogenetic location: 16p13.3.
Variant type: single nucleotide variant.
Coding change: c.1075G>A on transcript NM_001199107.2 (MANE Select); coding-DNA position 1075, G replaced by A.
Protein change: p.Glu359Lys; replaces glutamic acid 359 with lysine.
Molecular consequence: missense variant.
Genome position (GRCh38, 1-based): chr16:2,498,329, G>A. VCF-style: chr16-2498329-G-A. GRCh37 (hg19) VCF-style: chr16-2548330-G-A.
Other names: c.1057G>A, p.Glu353Lys (NM_020705.3); short protein forms E359K, E353K.
Identifiers: ClinVar variation 2183895 (VCV002183895.4), dbSNP rs762442022, ClinGen allele CA7844149.